The following is an entry in ClinVar:

NM_013382.7(POMT2):c.1213_1228del (p.Phe405fs)

Gene: POMT2 (protein O-mannosyltransferase 2; minus strand). Cytogenetic location: 14q24.3.
Variant type: Deletion.
Coding change: c.1213_1228del on transcript NM_013382.7 (MANE Select); coding-DNA positions 1213 to 1228, 16 bases deleted (TTTGTAAGACATGGAG).
Protein change: p.Phe405fs; shifts the reading frame from phenylalanine 405.
Molecular consequence: frameshift variant.
Genome position (GRCh38, 1-based): chr14:77,288,787-77,288,802, CTCCATGTCTTACAAA deleted on the plus strand (TTTGTAAGACATGGAG on the coding strand, the reverse complement: POMT2 is on the minus strand); deleting any 16 consecutive bases within chr14:77,288,787-77,288,807 gives the same sequence; the c. name uses the placement nearest the transcript's 3' end. VCF-style (leftmost placement, unchanged base first): chr14-77288786-TCTCCATGTCTTACAAA-T. GRCh37 (hg19) VCF-style: chr14-77755129-TCTCCATGTCTTACAAA-T.
Other names: p.Phe405Thrfs*5; c.1208_1223del16, p.Phe405Thrfs (NM_013382.5); short protein forms F405fs.
Identifiers: ClinVar variation 2682953 (VCV002682953.1), dbSNP rs775710735, ClinGen allele CA7285923.
Genomic context (GRCh38, chr14:77,288,786, plus strand): 5'-GTACCATTTATTTATCCAAACTGCAAATTGACTTACTCTTTGTGTTCTAGTCGAATAATG[TCTCCATGTCTTACAAA>T]CTCCACTGGGAAGGAAGGGTCTAGGGGATCTGCCAAAAAGAAACAAGCATTGATATCCAA-3'

ClinVar aggregate classification (germline): Likely pathogenic (1 of 4 stars; one submission).

Submission:

Mayo Clinic Laboratories, Mayo Clinic
Classification: Likely pathogenic. Last evaluated: 2022-12-16. Review status: criteria provided, single submitter. Criteria: ACMG Guidelines, 2015. Collection method: clinical testing. Allele origin: germline. Observed: 1 variant allele.
Comment: PM2, PVS1